The following is an entry in ClinVar:

ClinVar aggregate classification (germline): Uncertain significance (1 of 4 stars; one submission).

Conditions:
Pyruvate dehydrogenase E1-beta deficiency (PDHBD). Identifiers: Orphanet 255138, Orphanet 765, MedGen C3279841, MONDO:0013580, OMIM 614111.

Allele frequency attached by ClinVar (database versions not stated): gnomAD exomes below 0.00001 and 0.00001.
gnomAD v4.1: 5 of 1,613,958 alleles (0.00031%); highest among the groups gnomAD compares: Middle Eastern, 0.016%; no homozygotes.

Submission:

Labcorp Genetics (formerly Invitae), Labcorp
Classification: Uncertain significance for Pyruvate dehydrogenase E1-beta deficiency. Last evaluated: 2022-10-24. Review status: criteria provided, single submitter. Criteria: Invitae Variant Classification Sherloc (09022015). Collection method: clinical testing. Allele origin: germline.
Comment: This sequence change replaces lysine, which is basic and polar, with arginine, which is basic and polar, at codon 80 of the PDHB protein (p.Lys80Arg). This variant is present in population databases (no rsID available, gnomAD 0.003%). This variant has not been reported in the literature in individuals affected with PDHB-related conditions. ClinVar contains an entry for this variant (Variation ID: 1408864). Advanced modeling of protein sequence and biophysical properties (such as structural, functional, and spatial information, amino acid conservation, physicochemical variation, residue mobility, and thermodynamic stability) performed at Invitae indicates that this missense variant is not expected to disrupt PDHB protein function. In summary, the available evidence is currently insufficient to determine the role of this variant in disease. Therefore, it has been classified as a Variant of Uncertain Significance.

NM_000925.4(PDHB):c.239A>G (p.Lys80Arg)

Gene: PDHB (pyruvate dehydrogenase E1 subunit beta; minus strand). Cytogenetic location: 3p14.3.
Variant type: single nucleotide variant.
Coding change: c.239A>G on transcript NM_000925.4 (MANE Select); coding-DNA position 239, A replaced by G.
Protein change: p.Lys80Arg; replaces lysine 80 with arginine.
Molecular consequence: missense variant. On other transcripts: non-coding transcript variant (1).
Genome position (GRCh38, 1-based): chr3:58,431,759, T>C on the plus strand (A>G on the coding strand, the complement: PDHB is on the minus strand). VCF-style: chr3-58431759-T-C. GRCh37 (hg19) VCF-style: chr3-58417486-T-C.
Other names: c.239A>G, p.Lys80Arg (NM_001173468.2); c.185A>G, p.Lys62Arg (NM_001315536.2); short protein forms K80R, K62R.
Identifiers: ClinVar variation 1408864 (VCV001408864.5), dbSNP rs1455283629, ClinGen allele CA353363210.
Genomic context (GRCh38, chr3:58,431,759, plus strand): 5'-CTCCAGGGTCTGCTTCCCACTGGAAGGCTTACCTCTGATATGGGAGTGTCAATAATCCTC[T>C]TGTCTCCATATTTCTTCCACAGCCCTCGACTAACCTACAATTAAGAGTTGATCCCTTAAG-3'
Protein context (NP_000916.2, residues 70-90): SRGLWKKYGD[Lys80Arg]RIIDTPISEM